The following is an entry in ClinVar:

NM_001364905.1(LRBA):c.3950G>A (p.Arg1317His)

Gene: LRBA (LPS responsive beige-like anchor protein; minus strand). Cytogenetic location: 4q31.3.
Variant type: single nucleotide variant.
Coding change: c.3950G>A on transcript NM_001364905.1 (MANE Select); coding-DNA position 3950, G replaced by A.
Protein change: p.Arg1317His; replaces arginine 1317 with histidine.
Molecular consequence: missense variant.
Genome position (GRCh38, 1-based): chr4:150,850,778, C>T on the plus strand (G>A on the coding strand, the complement: LRBA is on the minus strand). VCF-style: chr4-150850778-C-T. GRCh37 (hg19) VCF-style: chr4-151771930-C-T.
Other names: c.3950G>A, p.Arg1317His (NM_001199282.3, NM_001367550.1, NM_006726.5); short protein forms R1317H.
Identifiers: ClinVar variation 573694 (VCV000573694.7), dbSNP rs1047132889, ClinGen allele CA107812907.

ClinVar aggregate classification (germline): Uncertain significance (1 of 4 stars; one submission).

Conditions:
Combined immunodeficiency due to LRBA deficiency. Also called: Common variable immunodeficiency 8, with autoimmunity. Identifiers: Orphanet 445018, MedGen C3553512, MONDO:0013863, OMIM 614700.

Allele frequency attached by ClinVar (database versions not stated): gnomAD 0.00001; TOPMed 0.00002.
gnomAD v4.1: 16 of 1,613,384 alleles (0.00099%); highest among the groups gnomAD compares: Middle Eastern, 0.049%; no homozygotes.

Submission:

Labcorp Genetics (formerly Invitae), Labcorp
Classification: Uncertain significance for Combined immunodeficiency due to LRBA deficiency. Last evaluated: 2025-08-07. Review status: criteria provided, single submitter. Criteria: Invitae Variant Classification Sherloc (09022015). Collection method: clinical testing. Allele origin: germline.
Comment: This sequence change replaces arginine, which is basic and polar, with histidine, which is basic and polar, at codon 1317 of the LRBA protein (p.Arg1317His). This variant is present in population databases (no rsID available, gnomAD 0.007%). This missense change has been observed in individual(s) with LRBA deficiency (PMID: 37595759). ClinVar contains an entry for this variant (Variation ID: 573694). Invitae Evidence Modeling of protein sequence and biophysical properties (such as structural, functional, and spatial information, amino acid conservation, physicochemical variation, residue mobility, and thermodynamic stability) indicates that this missense variant is expected to disrupt LRBA protein function with a positive predictive value of 80%. In summary, the available evidence is currently insufficient to determine the role of this variant in disease. Therefore, it has been classified as a Variant of Uncertain Significance.

Literature cited by the submitters: PubMed 37595759.